The following is an entry in ClinVar:

ClinVar aggregate classification (germline): Uncertain significance. Review status: criteria provided, multiple submitters, no conflicts (2 of 4 stars). 4 submissions from 4 submitters: Uncertain significance (4). Last evaluated 2024-06-20.

Conditions:
LAMA2-related muscular dystrophy (LAMA2-RD). Also called: Laminin alpha 2-related dystrophy. Identifiers: MedGen C5679788, MONDO:0100228.

Allele frequency attached by ClinVar (database versions not stated): TOPMed 0.00004; gnomAD 0.00006; ESP Exome Variant Server 0.00008.
gnomAD v4.1: 37 of 1,591,804 alleles (0.0023%); highest among the groups gnomAD compares: Middle Eastern, 0.017%; no homozygotes.

Submissions (4):

Clinical Genomics Laboratory, Washington University in St. Louis
Classification: Uncertain significance for LAMA2-related muscular dystrophy. Last evaluated: 2024-06-20. Review status: criteria provided, single submitter. Criteria: ACMG Guidelines, 2015. Collection method: clinical testing. Allele origin: germline.
Comment: The LAMA2 c.6274+5G>A variant, to our knowledge, has not been reported in the medical literature. This variant has been reported in the ClinVar database as a variant of uncertain significance variant by two submitters. This variant is only observed on 8 out of 274.386 alleles in the general population (gnomAD v.2.1.1), indicating it is not a common variant. Computational predictors indicate that this variant would alter splicing, evidence that correlates to an impact of this variant LAMA2 function. Due to limited information, and based on ACMG/AMP guidelines for variant interpretation (Richards S et al., PMID: 25741868), the clinical significance of this variant is uncertain at this time.

Mayo Clinic Laboratories, Mayo Clinic
Classification: Uncertain significance. Last evaluated: 2024-06-05. Review status: criteria provided, single submitter. Criteria: ACMG Guidelines, 2015. Collection method: clinical testing. Allele origin: germline. Observed: 1 variant allele.
Comment: PM2

Labcorp Genetics (formerly Invitae), Labcorp
Classification: Uncertain significance for LAMA2-related muscular dystrophy. Last evaluated: 2023-10-13. Review status: criteria provided, single submitter. Criteria: Invitae Variant Classification Sherloc (09022015). Collection method: clinical testing. Allele origin: germline.
Comment: This sequence change falls in intron 44 of the LAMA2 gene. It does not directly change the encoded amino acid sequence of the LAMA2 protein. It affects a nucleotide within the consensus splice site. This variant is present in population databases (rs367765202, gnomAD 0.008%). This variant has not been reported in the literature in individuals affected with LAMA2-related conditions. ClinVar contains an entry for this variant (Variation ID: 435708). Variants that disrupt the consensus splice site are a relatively common cause of aberrant splicing (PMID: 17576681, 9536098). Algorithms developed to predict the effect of sequence changes on RNA splicing suggest that this variant may disrupt the consensus splice site. In summary, the available evidence is currently insufficient to determine the role of this variant in disease. Therefore, it has been classified as a Variant of Uncertain Significance.

Genetic Services Laboratory, University of Chicago
Classification: Uncertain significance. Last evaluated: 2016-12-20. Review status: criteria provided, single submitter. Criteria: ACMG Guidelines, 2015. Collection method: clinical testing. Allele origin: germline. Affected: no.

Literature cited by the submitters: PubMed 17576681 (cited by Labcorp Genetics (formerly Invitae), Labcorp); PubMed 9536098 (cited by Labcorp Genetics (formerly Invitae), Labcorp).

NM_000426.4(LAMA2):c.6274+5G>A

Gene: LAMA2 (laminin subunit alpha 2; plus strand). Cytogenetic location: 6q22.33.
Variant type: single nucleotide variant.
Coding change: c.6274+5G>A on transcript NM_000426.4 (MANE Select); 5 bases into the intron after coding-DNA position 6274, G replaced by A.
Molecular consequence: intron variant.
Genome position (GRCh38, 1-based): chr6:129,443,073, G>A. VCF-style: chr6-129443073-G-A. GRCh37 (hg19) VCF-style: chr6-129764218-G-A.
Other names: c.6274+5G>A (NM_001079823.2).
Identifiers: ClinVar variation 435708 (VCV000435708.11), dbSNP rs367765202, ClinGen allele CA3994200.